The following is an entry in ClinVar:

ClinVar aggregate classification (germline): Uncertain significance. Review status: criteria provided, multiple submitters, no conflicts (2 of 4 stars). 2 submissions from 2 submitters: Uncertain significance (2). Last evaluated 2026-02-01.

Allele frequency attached by ClinVar (database versions not stated): TOPMed below 0.00001; gnomAD exomes 0.00001; ExAC 0.00005.
gnomAD v4.1: 20 of 1,595,490 alleles (0.0013%); highest among the groups gnomAD compares: East Asian, 0.0045%; no homozygotes.

Submissions (2):

CeGaT Center for Human Genetics Tuebingen
Classification: Uncertain significance. Last evaluated: 2026-02-01. Review status: criteria provided, single submitter. Criteria: CeGaT Center For Human Genetics Tuebingen Variant Classification Criteria Version 2. Collection method: clinical testing. Allele origin: germline. Affected: yes. Observed: 1 variant allele.
Comment: CFAP410: PM2, BP4

Labcorp Genetics (formerly Invitae), Labcorp
Classification: Uncertain significance. Last evaluated: 2022-07-26. Review status: criteria provided, single submitter. Criteria: Invitae Variant Classification Sherloc (09022015). Collection method: clinical testing. Allele origin: germline.
Comment: This sequence change replaces arginine, which is basic and polar, with tryptophan, which is neutral and slightly polar, at codon 242 of the CFAP410 protein (p.Arg242Trp). This variant is present in population databases (rs780412319, gnomAD 0.008%). This variant has not been reported in the literature in individuals affected with CFAP410-related conditions. ClinVar contains an entry for this variant (Variation ID: 1500883). Algorithms developed to predict the effect of missense changes on protein structure and function are either unavailable or do not agree on the potential impact of this missense change (SIFT: "Deleterious"; PolyPhen-2: "Probably Damaging"; Align-GVGD: "Class C0"). In summary, the available evidence is currently insufficient to determine the role of this variant in disease. Therefore, it has been classified as a Variant of Uncertain Significance.

NM_004928.3(CFAP410):c.724C>T (p.Arg242Trp)

Gene: CFAP410 (cilia and flagella associated protein 410; minus strand). Cytogenetic location: 21q22.3.
Variant type: single nucleotide variant.
Coding change: c.724C>T on transcript NM_004928.3 (MANE Select); coding-DNA position 724, C replaced by T.
Protein change: p.Arg242Trp; replaces arginine 242 with tryptophan.
Molecular consequence: missense variant.
Genome position (GRCh38, 1-based): chr21:44,330,245, G>A on the plus strand (C>T on the coding strand, the complement: CFAP410 is on the minus strand). VCF-style: chr21-44330245-G-A. GRCh37 (hg19) VCF-style: chr21-45750128-G-A.
Other names: c.721C>T, p.Arg241Trp (NM_001271440.2); c.1081C>T, p.Arg361Trp (NM_001271441.2); c.598C>T, p.Arg200Trp (NM_001271442.1); short protein forms R361W, R241W, R200W, R242W.
Identifiers: ClinVar variation 1500883 (VCV001500883.12), dbSNP rs780412319, ClinGen allele CA10053476.